The following is an entry in ClinVar:

ClinVar aggregate classification (germline): Uncertain significance (1 of 4 stars; one submission).

Submission:

Dasa
Classification: Uncertain significance. Last evaluated: 2026-03-21. Review status: criteria provided, single submitter. Criteria: DASA Assertion Criteria. Collection method: clinical testing. Allele origin: germline.
Comment: NM_001429.4(EP300):c.5715_5723dup (p.Thr1909_Pro1911dup) is an in-frame duplication predicted to duplicate amino acids from threonine at protein position 1909 through proline at protein position 1911 without shifting the reading frame. This variant is absent from population databases. The currently available literature and clinical evidence are not sufficient to establish a definitive association between this variant and the reported condition. Therefore, this variant is classified as a variant of uncertain significance.

NM_001429.4(EP300):c.5715_5723dup (p.Pro1911_Gln1912insThrProPro)

Gene: EP300 (EP300 lysine acetyltransferase; plus strand). Cytogenetic location: 22q13.2.
Variant type: Duplication.
Coding change: c.5715_5723dup on transcript NM_001429.4 (MANE Select); coding-DNA positions 5715 to 5723, 9 bases duplicated (GACCCCTCC; older notation c.5715_5723dupGACCCCTCC).
Protein change: p.Pro1911_Gln1912insThrProPro.
Molecular consequence: inframe insertion.
Genome position (GRCh38, 1-based): chr22:41,177,426-41,177,434, GACCCCTCC duplicated. VCF-style (leftmost placement, unchanged base first): chr22-41177425-T-TGACCCCTCC. GRCh37 (hg19) VCF-style: chr22-41573429-T-TGACCCCTCC.
Other names: c.5637_5645dup, p.Pro1885_Gln1886insThrProPro (NM_001362843.2).
Identifiers: ClinVar variation 4884111 (VCV004884111.2).